The following is an entry in ClinVar:

NM_152672.6(SLC51A):c.183G>A (p.Ala61=)

Gene: SLC51A (solute carrier family 51 member A; plus strand). Cytogenetic location: 3q29.
Variant type: single nucleotide variant.
Coding change: c.183G>A on transcript NM_152672.6 (MANE Select); coding-DNA position 183, G replaced by A.
Protein change: p.Ala61=; no amino-acid change (alanine 61 retained).
Molecular consequence: synonymous variant.
Genome position (GRCh38, 1-based): chr3:196,227,014, G>A. VCF-style: chr3-196227014-G-A. GRCh37 (hg19) VCF-style: chr3-195953885-G-A.
Identifiers: ClinVar variation 3354101 (VCV003354101.1).

ClinVar aggregate classification (germline): Likely benign (0 of 4 stars; one submission).

Conditions:
SLC51A-related disorder. Also called: SLC51A-related condition.

gnomAD v4.1: 33 of 1,614,004 alleles (0.002%); highest among the groups gnomAD compares: South Asian, 0.013%; no homozygotes.

Submission:

PreventionGenetics, part of Exact Sciences
Classification: Likely benign for SLC51A-related condition. Last evaluated: 2024-09-09. Review status: no assertion criteria provided. Collection method: clinical testing. Allele origin: germline.
Comment: This variant is classified as likely benign based on ACMG/AMP sequence variant interpretation guidelines (Richards et al. 2015 PMID: 25741868, with internal and published modifications).